The following is an entry in ClinVar:

NM_004608.4(TBX6):c.506del (p.Pro169fs)

Gene: TBX6 (T-box transcription factor 6; minus strand). Cytogenetic location: 16p11.2.
Variant type: Deletion.
Coding change: c.506del on transcript NM_004608.4 (MANE Select); coding-DNA position 506, one base deleted (C; older notation c.506delC).
Protein change: p.Pro169fs; shifts the reading frame from proline 169.
Molecular consequence: frameshift variant.
Genome position (GRCh38, 1-based): chr16:30,089,058, G deleted on the plus strand (C on the coding strand, the reverse complement: TBX6 is on the minus strand); the first of 2 consecutive G bases (chr16:30,089,058-30,089,059); deleting either gives the same sequence. VCF-style (leftmost placement, unchanged base first): chr16-30089057-AG-A. GRCh37 (hg19) VCF-style: chr16-30100378-AG-A.
Other names: short protein forms P169fs.
Identifiers: ClinVar variation 4849707 (VCV004849707.1).
Genomic context (GRCh38, chr16:30,089,057, plus strand): 5'-AGGCTGCCGCATCCAATGTGCACCAGTGGCAGGAGAGTCGGGGTGAATGTAGACACGGTC[AG>A]GCAGGCGGGGCTCTGCCTTGCCGCTGGGCTCCCAGCGCCGGCCCTGCCAGCGGTAGCGAG-3'

ClinVar aggregate classification (germline): Likely pathogenic (1 of 4 stars; one submission).

Conditions:
Spondylocostal dysostosis 5 (SCDO5). Also called: SCOLIOSIS, CONGENITAL, WITH OR WITHOUT RIB ANOMALIES. Identifiers: MedGen C4083048, MONDO:0007389, OMIM 122600.

Submission:

Diagnostics Services (NGS), CSIR - Centre For Cellular And Molecular Biology
Classification: Likely pathogenic for Spondylocostal dysostosis 5. Last evaluated: 2025-12-09. Review status: criteria provided, single submitter. Criteria: ACMG Guidelines, 2015. Collection method: clinical testing. Allele origin: germline. Observed: 1 variant allele, 1 heterozygote.
Comment: The c.506del variant is not present in publicly available population databases like 1000 Genomes, EVS, gnomAD, Indian Exome Database or our internal database. This variant has neither been published in the literature for TBX6-related conditions nor reported to clinical databases like Human Genome Mutation database (HGMD), ClinVar or OMIM in any affected individuals. In-silico pathogenicity prediction programs like MutationTaster2021, CADD, Franklin, Varsome etc predicted this variant to be likely deleterious. This variant causes frameshift at the 169th amino acid position of the wild-type transcript that creates a premature translational stop signal at the altered transcript that may either result in translation of a truncated protein or cause nonsense mediated decay of the mRNA.